The following is an entry in ClinVar:

NM_000059.4(BRCA2):c.5362T>C (p.Ser1788Pro)

Gene: BRCA2 (BRCA2 DNA repair associated; plus strand). Cytogenetic location: 13q13.1.
Variant type: single nucleotide variant.
Coding change: c.5362T>C on transcript NM_000059.4 (MANE Select); coding-DNA position 5362, T replaced by C.
Protein change: p.Ser1788Pro; replaces serine 1788 with proline.
Molecular consequence: missense variant. On other transcripts: non-coding transcript variant (1), intron variant (2).
Genome position (GRCh38, 1-based): chr13:32,339,717, T>C. VCF-style: chr13-32339717-T-C. GRCh37 (hg19) VCF-style: chr13-32913854-T-C.
Other names: c.5362T>C, p.Ser1788Pro (NM_001406719.1, NM_001406720.1, NM_001432077.1); c.1910-4841T>C (NM_001406721.1); c.425-4841T>C (NM_001406722.1); short protein forms S1788P.
Identifiers: ClinVar variation 3636492 (VCV003636492.3).

ClinVar aggregate classification (germline): Uncertain significance. Review status: criteria provided, multiple submitters, no conflicts (2 of 4 stars). 2 submissions from 2 submitters: Uncertain significance (2). Last evaluated 2024-03-25.

Conditions:
Hereditary breast ovarian cancer syndrome. Also called: Hereditary breast and ovarian cancer syndrome; Hereditary breast and ovarian cancer syndrome (HBOC); BRCA1- and BRCA2-Associated Hereditary Breast and Ovarian Cancer; Hereditary breast and ovarian cancer; Breast and ovarian cancer; Hereditary breast and/or ovarian cancer syndrome. Identifiers: Orphanet 145, MedGen C0677776, MeSH D061325, MONDO:0003582. Disease mechanism: loss of function.
Hereditary cancer-predisposing syndrome. Also called: Neoplastic Syndromes, Hereditary; Tumor predisposition; Hereditary Cancer Syndrome; Hereditary neoplastic syndrome. Identifiers: Orphanet 140162, MedGen C0027672, MeSH D009386, MONDO:0015356.

Submissions (2):

Labcorp Genetics (formerly Invitae), Labcorp
Classification: Uncertain significance for Hereditary breast ovarian cancer syndrome. Last evaluated: 2024-03-25. Review status: criteria provided, single submitter. Criteria: Invitae Variant Classification Sherloc (09022015). Collection method: clinical testing. Allele origin: germline.
Comment: This sequence change replaces serine, which is neutral and polar, with proline, which is neutral and non-polar, at codon 1788 of the BRCA2 protein (p.Ser1788Pro). This variant is not present in population databases (gnomAD no frequency). This variant has not been reported in the literature in individuals affected with BRCA2-related conditions. Advanced modeling of protein sequence and biophysical properties (such as structural, functional, and spatial information, amino acid conservation, physicochemical variation, residue mobility, and thermodynamic stability) performed at Invitae indicates that this missense variant is not expected to disrupt BRCA2 protein function with a negative predictive value of 95%. In summary, the available evidence is currently insufficient to determine the role of this variant in disease. Therefore, it has been classified as a Variant of Uncertain Significance.

Color Diagnostics, LLC DBA Color Health
Classification: Uncertain significance for Hereditary cancer-predisposing syndrome. Last evaluated: 2024-01-08. Review status: criteria provided, single submitter. Criteria: ACMG Guidelines, 2015. Collection method: clinical testing. Allele origin: germline.
Comment: This missense variant replaces serine with proline at codon 1788 of the BRCA2 protein. Computational prediction suggests that this variant may not impact protein structure and function. To our knowledge, functional studies have not been reported for this variant. This variant has not been reported in individuals affected with BRCA2-related disorders in the literature. This variant has not been identified in the general population by the Genome Aggregation Database (gnomAD). The available evidence is insufficient to determine the role of this variant in disease conclusively. Therefore, this variant is classified as a Variant of Uncertain Significance.